The following is an entry in ClinVar:

NM_001256715.2(DNAAF3):c.678C>A (p.His226Gln)

Genes: DNAAF3 (dynein axonemal assembly factor 3; minus strand), DNAAF3-AS1 (DNAAF3 antisense RNA 1; plus strand). Cytogenetic location: 19q13.42.
Variant type: single nucleotide variant.
Coding change: c.678C>A on transcript NM_001256715.2 (MANE Select); coding-DNA position 678, C replaced by A.
Protein change: p.His226Gln; replaces histidine 226 with glutamine.
Molecular consequence: missense variant.
Genome position (GRCh38, 1-based): chr19:55,161,404, G>T on the plus strand (C>A on the coding strand, the complement: DNAAF3 is on the minus strand). VCF-style: chr19-55161404-G-T. GRCh37 (hg19) VCF-style: chr19-55672772-G-T.
Other names: c.882C>A, p.His294Gln (NM_001256714.1); c.516C>A, p.His172Gln (NM_001256716.2); c.819C>A, p.His273Gln (NM_178837.4); short protein forms H172Q, H226Q, H273Q, H294Q.
Identifiers: ClinVar variation 2571057 (VCV002571057.28), dbSNP rs1430003811, ClinGen allele CA407453999.

ClinVar aggregate classification (germline): Uncertain significance. Review status: criteria provided, multiple submitters, no conflicts (2 of 4 stars). 4 submissions from 4 submitters: Uncertain significance (4). Last evaluated 2025-06-29.

Conditions:
Primary ciliary dyskinesia. Also called: Ciliary dyskinesia. Identifiers: Orphanet 244, MedGen C0008780, MONDO:0016575, HP:0012265.

gnomAD v4.1: 5 of 1,062,662 alleles (0.00047%); highest among the groups gnomAD compares: Middle Eastern, 0.026%; no homozygotes.

Submissions (4):

Labcorp Genetics (formerly Invitae), Labcorp
Classification: Uncertain significance for Primary ciliary dyskinesia. Last evaluated: 2025-06-29. Review status: criteria provided, single submitter. Criteria: Invitae Variant Classification Sherloc (09022015). Collection method: clinical testing. Allele origin: germline.
Comment: This sequence change replaces histidine, which is basic and polar, with glutamine, which is neutral and polar, at codon 294 of the DNAAF3 protein (p.His294Gln). This variant is present in population databases (no rsID available, gnomAD 0.01%). This variant has not been reported in the literature in individuals affected with DNAAF3-related conditions. ClinVar contains an entry for this variant (Variation ID: 2571057). Invitae Evidence Modeling of protein sequence and biophysical properties (such as structural, functional, and spatial information, amino acid conservation, physicochemical variation, residue mobility, and thermodynamic stability) indicates that this missense variant is not expected to disrupt DNAAF3 protein function with a negative predictive value of 80%. In summary, the available evidence is currently insufficient to determine the role of this variant in disease. Therefore, it has been classified as a Variant of Uncertain Significance.

Ambry Genetics
Classification: Uncertain significance for Primary ciliary dyskinesia. Last evaluated: 2024-04-04. Review status: criteria provided, single submitter. Criteria: Ambry Variant Classification Scheme 2023. Collection method: clinical testing. Allele origin: germline.

CeGaT Center for Human Genetics Tuebingen
Classification: Uncertain significance. Last evaluated: 2023-06-01. Review status: criteria provided, single submitter. Criteria: CeGaT Center For Human Genetics Tuebingen Variant Classification Criteria Version 2. Collection method: clinical testing. Allele origin: germline. Affected: yes. Observed: 1 variant allele.
Comment: DNAAF3: PM2, PP2

Blueprint Genetics
Classification: Uncertain significance. Last evaluated: 2022-11-24. Review status: criteria provided, single submitter. Criteria: ACMG Guidelines, 2015. Collection method: clinical testing. Allele origin: germline.